The following is an entry in ClinVar:

NM_020706.2(SCAF4):c.2831_2890del (p.Pro944_Gln963del)

Gene: SCAF4 (SR-related CTD associated factor 4; minus strand). Cytogenetic location: 21q22.11.
Variant type: Deletion.
Coding change: c.2831_2890del on transcript NM_020706.2 (MANE Select); coding-DNA positions 2831 to 2890, 60 bases deleted.
Protein change: p.Pro944_Gln963del.
Molecular consequence: inframe deletion.
Genome position (GRCh38, 1-based): chr21:31,671,953-31,672,012, 60 bases deleted. GRCh37 (hg19): chr21:33,044,268-33,044,327.
Other names: c.2786_2845del, p.Pro929_Gln948del (NM_001145444.1); c.2765_2824del, p.Pro922_Gln941del (NM_001145445.1).
Identifiers: ClinVar variation 5006410 (VCV005006410.2).

ClinVar aggregate classification (germline): Uncertain significance (1 of 4 stars; one submission).

Conditions:
Fliedner-Zweier syndrome (FZS). Identifiers: MedGen C5882693, MONDO:0957787, OMIM 620511.

Submission:

Juno Genomics, Hangzhou Juno Genomics, Inc
Classification: Uncertain significance for Fliedner-Zweier syndrome. Review status: criteria provided, single submitter. Criteria: ACMG Guidelines, 2015. Collection method: clinical testing. Allele origin: germline.
Comment: Absent from controls (or at extremely low frequency if recessive) in Genome Aggregation Database.;Protein length changes due to in-frame deletions/insertions in a non-repeat region or stop-loss variants.